The following is an entry in ClinVar:

NM_001145026.2(PTPRQ):c.1331A>G (p.Glu444Gly)

Gene: PTPRQ (protein tyrosine phosphatase receptor type Q; plus strand). Cytogenetic location: 12q21.31.
Variant type: single nucleotide variant.
Coding change: c.1331A>G on transcript NM_001145026.2 (MANE Select); coding-DNA position 1331, A replaced by G.
Protein change: p.Glu444Gly; replaces glutamic acid 444 with glycine.
Molecular consequence: missense variant.
Genome position (GRCh38, 1-based): chr12:80,484,577, A>G. VCF-style: chr12-80484577-A-G. GRCh37 (hg19) VCF-style: chr12-80878356-A-G.
Other names: short protein forms E444G.
Identifiers: ClinVar variation 3731359 (VCV003731359.1).

ClinVar aggregate classification (germline): Uncertain significance (1 of 4 stars; one submission).

Conditions:
Hearing loss, autosomal dominant 73. Also called: DEAFNESS, AUTOSOMAL DOMINANT 73. Identifiers: MedGen C4540024, MONDO:0033260, OMIM 617663.

gnomAD v4.1: 1 of 1,550,238 alleles (0.000065%); highest among the groups gnomAD compares: South Asian, 0.0012%; no homozygotes.

Submission:

Neuberg Centre For Genomic Medicine, NCGM
Classification: Uncertain significance for Hearing loss, autosomal dominant 73. Last evaluated: 2023-06-22. Review status: criteria provided, single submitter. Criteria: ACMG Guidelines, 2015. Collection method: clinical testing. Allele origin: germline. Inheritance: Autosomal dominant inheritance. Affected: yes.
Comment: The observed missense c.1331A>G(p.Asn444Ser) variant in PTPRQ gene has not been reported previously as a pathogenic variant nor as a benign variant, to our knowledge. This variant is reported with the allele frequency of 0.002% in the gnomAD Exomes. The amino acid Asn at position 444 is changed to a Ser changing protein sequence and it might alter its composition and physico-chemical properties. The amino acid change p.Asn444Ser in PTPRQ is predicted as conserved by GERP++ and PhyloP across 100 vertebrates. Computational evidence (Polyphen - Not available, SIFT - Damaging, and MutationTaster - Disease causing) predict a damaging effect on protein structure and function for this variant. For these reasons, this variant has been classified as Uncertain Significance.